The following is an entry in ClinVar:

NM_004972.4(JAK2):c.2431C>A (p.Pro811Thr)

Genes: INSL6 (insulin like 6; minus strand), JAK2 (Janus kinase 2; plus strand). Cytogenetic location: 9p24.1.
Variant type: single nucleotide variant.
Coding change: c.2431C>A on transcript NM_004972.4 (MANE Select); coding-DNA position 2431, C replaced by A.
Protein change: p.Pro811Thr; replaces proline 811 with threonine.
Molecular consequence: missense variant. On other transcripts: non-coding transcript variant (2).
Genome position (GRCh38, 1-based): chr9:5,080,680, C>A. VCF-style: chr9-5080680-C-A. GRCh37 (hg19) VCF-style: chr9-5080680-C-A.
Other names: c.2431C>A, p.Pro811Thr (NM_001322194.2, NM_001322195.2, NM_001322196.2); c.1216C>A, p.Pro406Thr (NM_001322198.2, NM_001322199.2); c.1984C>A, p.Pro662Thr (NM_001322204.2); short protein forms P662T, P406T, P811T.
Identifiers: ClinVar variation 2974511 (VCV002974511.3), dbSNP rs765923672, ClinGen allele CA4972139.
Genomic context (GRCh38, chr9:5,080,680, plus strand): 5'-GAACCAGATTTCAGGCCTTCTTTCAGAGCCATCATACGAGATCTTAACAGTTTGTTTACT[C>A]CAGGTATGTATTTGAATGATCTTATTGATTTTCCAGCTTTCTATCTTTATTGTATTTAAT-3'
Protein context (NP_004963.1, residues 801-821): IIRDLNSLFT[Pro811Thr]DYELLTENDM

ClinVar aggregate classification (germline): Uncertain significance (1 of 4 stars; one submission).

Allele frequency attached by ClinVar (database versions not stated): ExAC 0.00001; gnomAD 0.00001.
gnomAD v4.1: 15 of 1,567,122 alleles (0.00096%); highest among the groups gnomAD compares: Admixed American, 0.002%; no homozygotes.

Submission:

Labcorp Genetics (formerly Invitae), Labcorp
Classification: Uncertain significance. Last evaluated: 2023-11-29. Review status: criteria provided, single submitter. Criteria: Invitae Variant Classification Sherloc (09022015). Collection method: clinical testing. Allele origin: germline.
Comment: This sequence change replaces proline, which is neutral and non-polar, with threonine, which is neutral and polar, at codon 811 of the JAK2 protein (p.Pro811Thr). The frequency data for this variant in the population databases is considered unreliable, as metrics indicate poor data quality at this position in the gnomAD database. This variant has not been reported in the literature in individuals affected with JAK2-related conditions. Advanced modeling of protein sequence and biophysical properties (such as structural, functional, and spatial information, amino acid conservation, physicochemical variation, residue mobility, and thermodynamic stability) performed at Invitae indicates that this missense variant is expected to disrupt JAK2 protein function with a positive predictive value of 80%. In summary, the available evidence is currently insufficient to determine the role of this variant in disease. Therefore, it has been classified as a Variant of Uncertain Significance.